The following is an entry in ClinVar:

ClinVar aggregate classification (germline): Benign/Likely benign. Review status: criteria provided, multiple submitters, no conflicts (2 of 4 stars). 3 submissions from 3 submitters: Benign (1); Likely benign (1). 1 of the submissions does not count toward it. Last evaluated 2025-12-15.

Conditions:
PGK1-related disorder. Also called: PGK1-related condition.

Allele frequency attached by ClinVar (database versions not stated): ExAC 0.00003; gnomAD 0.00005; TOPMed 0.00005; gnomAD exomes 0.00007; ESP Exome Variant Server 0.00010.

Submissions (3):

Labcorp Genetics (formerly Invitae), Labcorp
Classification: Benign. Last evaluated: 2025-12-15. Review status: criteria provided, single submitter. Criteria: Invitae Variant Classification Sherloc (09022015). Collection method: clinical testing. Allele origin: germline.

Blueprint Genetics
Classification: Likely benign. Last evaluated: 2024-10-31. Review status: criteria provided, single submitter. Criteria: ACMG Guidelines, 2015. Collection method: clinical testing. Allele origin: germline.

PreventionGenetics, part of Exact Sciences
Classification: Likely benign for PGK1-related condition. Last evaluated: 2020-11-16. Review status: no assertion criteria provided. Collection method: clinical testing. Allele origin: germline. Not counted in ClinVar's aggregate classification.
Comment: This variant is classified as likely benign based on ACMG/AMP sequence variant interpretation guidelines (Richards et al. 2015 PMID: 25741868, with internal and published modifications).

NM_000291.4(PGK1):c.1214-10_1214-7del

Gene: PGK1 (phosphoglycerate kinase 1; plus strand). Cytogenetic location: Xq21.1.
Variant type: Deletion.
Coding change: c.1214-10_1214-7del on transcript NM_000291.4 (MANE Select); 10 bases into the intron before coding-DNA position 1214 through 7 bases into the intron before coding-DNA position 1214, 4 bases deleted (TCAA; older notation c.1214-10_1214-7delTCAA).
Molecular consequence: intron variant.
Genome position (GRCh38, 1-based): chrX:78,125,780-78,125,783, TCAA deleted. VCF-style (leftmost placement, unchanged base first): chrX-78125779-CTCAA-C. GRCh37 (hg19) VCF-style: chrX-77381276-CTCAA-C.
Other names: c.1214-10_1214-7delTCAA (NM_000291.3).
Identifiers: ClinVar variation 2141009 (VCV002141009.7), dbSNP rs782751239, ClinGen allele CA10459856.